The following is an entry in ClinVar:

ClinVar aggregate classification (germline): Likely pathogenic (1 of 4 stars; one submission).

Conditions:
Hereditary cancer-predisposing syndrome. Also called: Hereditary Cancer Syndrome; Hereditary neoplastic syndrome; Neoplastic Syndromes, Hereditary; Tumor predisposition. Identifiers: Orphanet 140162, MedGen C0027672, MeSH D009386, MONDO:0015356.

Submission:

Ambry Genetics
Classification: Likely pathogenic for Hereditary cancer-predisposing syndrome. Last evaluated: 2025-08-01. Review status: criteria provided, single submitter. Criteria: Ambry Variant Classification Scheme 2023. Collection method: clinical testing. Allele origin: germline.
Comment: The c.1432+1G>T intronic variant results from a G to T substitution one nucleotide after coding exon 9 of the FLCN gene. Alterations that disrupt the canonical splice site are expected to result in aberrant splicing. In silico splice site analysis predicts that this alteration will weaken the native splice donor site and may result in the creation or strengthening of a novel splice donor site. The resulting transcript is predicted to be in-frame and is not expected to trigger nonsense-mediated mRNA decay; however, direct evidence is unavailable. The exact functional effect of the missing amino acids is unknown; however, a significant portion of the protein is affected (Ambry internal data). This alteration has been reported in an individual with a personal history of spontaneous pneumothorax and intraparenchymal cystic alterations of both lungs (Vogl M et al. Oxf Med Case Reports, 2020 Mar;2020:omaa016). This variant is considered to be rare based on population cohorts in the Genome Aggregation Database (gnomAD). This nucleotide position is highly conserved in available vertebrate species. Based on the majority of available evidence to date, this variant is likely to be pathogenic.

Literature cited by the submitters: PubMed 32257251.

NM_144997.7(FLCN):c.1432+1G>T

Gene: FLCN (folliculin; minus strand). Cytogenetic location: 17p11.2.
Variant type: single nucleotide variant.
Coding change: c.1432+1G>T on transcript NM_144997.7 (MANE Select); the canonical splice donor site of the intron after coding-DNA position 1432, G replaced by T.
Molecular consequence: splice donor variant.
Genome position (GRCh38, 1-based): chr17:17,215,184, C>A on the plus strand (G>T on the coding strand, the complement: FLCN is on the minus strand). VCF-style: chr17-17215184-C-A. GRCh37 (hg19) VCF-style: chr17-17118498-C-A.
Other names: c.1432+1G>T (NM_001353231.2, NM_001353230.2); c.1486+1G>T (NM_001353229.2).
Identifiers: ClinVar variation 1772522 (VCV001772522.3), dbSNP rs755959303, ClinGen allele CA398531069.